The following is an entry in ClinVar:

ClinVar aggregate classification (germline): Conflicting classifications of pathogenicity. Review status: criteria provided, conflicting classifications (1 of 4 stars). 8 submissions from 8 submitters: Uncertain significance (1); Likely benign (5). 2 of the submissions do not count toward it. Last evaluated 2026-01-19.

Conditions:
DYSF-related disorder. Also called: DYSF-related condition; DYSF-related disorders.
Neuromuscular disease caused by qualitative or quantitative defects of dysferlin. Also called: Dysferlinopathy; Qualitative or quantitative defects of dysferlin. Identifiers: Orphanet 207073, MedGen C2931687, MONDO:0016145.
Autosomal recessive limb-girdle muscular dystrophy type 2B (LGMDR2). Also called: MUSCULAR DYSTROPHY, LIMB-GIRDLE, AUTOSOMAL RECESSIVE 2; Limb-girdle muscular dystrophy, type 2B; Limb-Girdle Muscular Dystrophy Type 2B (LGMD2B); MUSCULAR DYSTROPHY, LIMB-GIRDLE, TYPE 3. Identifiers: Orphanet 268, MedGen C1850889, MONDO:0009676, OMIM 253601.

Allele frequency attached by ClinVar (database versions not stated): gnomAD exomes 0.00014 and 0.00038; ExAC 0.00040; gnomAD 0.00138 and 0.00153; TOPMed 0.00159; ESP Exome Variant Server 0.00161; 1000 Genomes Project 30x 0.00172; 1000 Genomes Project 0.00200.
gnomAD v4.1: 431 of 1,614,178 alleles (0.027%); highest among the groups gnomAD compares: African/African-American, 0.5%; 2 homozygotes.

Submissions (8):

Labcorp Genetics (formerly Invitae), Labcorp
Classification: Likely benign for Neuromuscular disease caused by qualitative or quantitative defects of dysferlin. Last evaluated: 2026-01-19. Review status: criteria provided, single submitter. Criteria: Invitae Variant Classification Sherloc (09022015). Collection method: clinical testing. Allele origin: germline.

Women's Health and Genetics/Laboratory Corporation of America, LabCorp
Classification: Uncertain significance. Last evaluated: 2025-07-21. Review status: criteria provided, single submitter. Criteria: LabCorp Variant Classification Summary - May 2015. Collection method: clinical testing. Allele origin: germline.
Comment: Variant summary: DYSF c.4639-3C>T alters a nucleotide located close to a canonical splice site and therefore could affect mRNA splicing, leading to a significantly altered protein sequence. Several computational tools predict a significant impact on normal splicing: Three predict the variant no significant impact on splicing. One predict the variant weakens a 3' acceptor site. However, these predictions have yet to be confirmed by functional studies. The variant allele was found at a frequency of 0.00038 in 251318 control chromosomes. This frequency is not significantly higher than estimated for a pathogenic variant in DYSF causing Autosomal recessive limb-girdle muscular dystrophy type 2B (0.00038 vs 0.011), allowing no conclusion about variant significance. To our knowledge, no occurrence of c.4639-3C>T in individuals affected with Autosomal recessive limb-girdle muscular dystrophy type 2B and no experimental evidence demonstrating its impact on protein function have been reported. ClinVar contains an entry for this variant (Variation ID: 285982). Based on the evidence outlined above, the variant was classified as uncertain significance.

Blueprint Genetics
Classification: Likely benign. Last evaluated: 2024-11-13. Review status: criteria provided, single submitter. Criteria: ACMG Guidelines, 2015. Collection method: clinical testing. Allele origin: germline.

Athena Diagnostics
Classification: Likely benign. Last evaluated: 2019-06-30. Review status: criteria provided, single submitter. Criteria: Athena Diagnostics Criteria. Collection method: clinical testing. Allele origin: germline.

GeneDx
Classification: Likely benign. Last evaluated: 2018-02-12. Review status: criteria provided, single submitter. Criteria: GeneDx Variant Classification (06012015). Collection method: clinical testing. Allele origin: germline. Affected: yes.
Comment: This variant is considered likely benign or benign based on one or more of the following criteria: it is a conservative change, it occurs at a poorly conserved position in the protein, it is predicted to be benign by multiple in silico algorithms, and/or has population frequency not consistent with disease.

Eurofins Ntd Llc (ga)
Classification: Likely benign. Last evaluated: 2016-12-21. Review status: criteria provided, single submitter. Criteria: EGL Classification Definitions 2015. Collection method: clinical testing. Allele origin: germline. Observed: 2 variant alleles, 2 heterozygotes.

PreventionGenetics, part of Exact Sciences
Classification: Likely benign for DYSF-related condition. Last evaluated: 2019-11-15. Review status: no assertion criteria provided. Collection method: clinical testing. Allele origin: germline. Not counted in ClinVar's aggregate classification.
Comment: This variant is classified as likely benign based on ACMG/AMP sequence variant interpretation guidelines (Richards et al. 2015 PMID: 25741868, with internal and published modifications).

Natera, Inc.
Classification: Likely benign for Limb-girdle muscular dystrophy type 2B. Last evaluated: 2019-11-11. Review status: no assertion criteria provided. Collection method: clinical testing. Allele origin: germline. Not counted in ClinVar's aggregate classification.

NM_001130987.2(DYSF):c.4756-3C>T

Gene: DYSF (dysferlin; plus strand). Cytogenetic location: 2p13.2.
Variant type: single nucleotide variant.
Coding change: c.4756-3C>T on transcript NM_001130987.2 (MANE Select); 3 bases into the intron before coding-DNA position 4756, C replaced by T.
Molecular consequence: intron variant.
Genome position (GRCh38, 1-based): chr2:71,658,875, C>T. VCF-style: chr2-71658875-C-T. GRCh37 (hg19) VCF-style: chr2-71886005-C-T.
Other names: c.4600-3C>T (NM_001130986.2); c.4663-3C>T (NM_001130984.2); c.4642-3C>T (NM_001130455.2); c.4705-3C>T (NM_001130983.2); c.4693-3C>T (NM_001130985.2); c.4735-3C>T (NM_001130982.2); c.4597-3C>T (NM_001130976.2); c.4660-3C>T (NM_001130977.2); and 5 more.
Identifiers: ClinVar variation 285982 (VCV000285982.24), dbSNP rs371227553, ClinGen allele CA1707142.